The following is an entry in ClinVar:

ClinVar aggregate classification (germline): Uncertain significance (1 of 4 stars; one submission).

Allele frequency attached by ClinVar (database versions not stated): gnomAD exomes below 0.00001.
gnomAD v4.1: 2 of 1,603,100 alleles (0.00012%); highest among the groups gnomAD compares: Non-Finnish European, 0.000085%; no homozygotes.

Submission:

Labcorp Genetics (formerly Invitae), Labcorp
Classification: Uncertain significance. Last evaluated: 2022-10-14. Review status: criteria provided, single submitter. Criteria: Invitae Variant Classification Sherloc (09022015). Collection method: clinical testing. Allele origin: germline.
Comment: This sequence change replaces aspartic acid, which is acidic and polar, with asparagine, which is neutral and polar, at codon 406 of the NR2E3 protein (p.Asp406Asn). This variant is present in population databases (rs754909545, gnomAD 0.0009%). This variant has not been reported in the literature in individuals affected with NR2E3-related conditions. Advanced modeling of protein sequence and biophysical properties (such as structural, functional, and spatial information, amino acid conservation, physicochemical variation, residue mobility, and thermodynamic stability) performed at Invitae indicates that this missense variant is not expected to disrupt NR2E3 protein function. In summary, the available evidence is currently insufficient to determine the role of this variant in disease. Therefore, it has been classified as a Variant of Uncertain Significance.

NM_014249.4(NR2E3):c.1216G>A (p.Asp406Asn)

Gene: NR2E3 (nuclear receptor subfamily 2 group E member 3; plus strand). Cytogenetic location: 15q23.
Variant type: single nucleotide variant.
Coding change: c.1216G>A on transcript NM_014249.4 (MANE Select); coding-DNA position 1216, G replaced by A.
Protein change: p.Asp406Asn; replaces aspartic acid 406 with asparagine.
Molecular consequence: missense variant.
Genome position (GRCh38, 1-based): chr15:71,817,667, G>A. VCF-style: chr15-71817667-G-A. GRCh37 (hg19) VCF-style: chr15-72110008-G-A.
Other names: short protein forms D406N.
Identifiers: ClinVar variation 1721625 (VCV001721625.5), dbSNP rs754909545, ClinGen allele CA7640547.
Genomic context (GRCh38, chr15:71,817,667, plus strand): 5'-ATCGAGCTCCTCTTTTTCCGCAAGACCATAGGGAATACTCCAATGGAGAAGCTCCTTTGT[G>A]ATATGTTCAAAAACTAGTGGGGGTGGAGGTGAAATGTTTCCAAGCACTCTGGAAAACAAT-3'
Protein context (NP_055064.1, residues 396-410): GNTPMEKLLC[Asp406Asn]MFKN